The following is an entry in ClinVar:

ClinVar aggregate classification (germline): Benign. Review status: criteria provided, multiple submitters, no conflicts (2 of 4 stars). 3 submissions from 3 submitters: Benign (3). Last evaluated 2026-01-06.

Conditions:
Fleck corneal dystrophy (CFD). Also called: CORNEAL DYSTROPHY, FRANCOIS-NEETENS SPECKLED OR FLECKED. Identifiers: Orphanet 98970, MedGen C1562113, MONDO:0007376, OMIM 121850.

Allele frequency attached by ClinVar (database versions not stated): 1000 Genomes Project 0.00699; 1000 Genomes Project 30x 0.00703; ExAC 0.01179; gnomAD 0.01246 and 0.01266; gnomAD exomes 0.01246; TOPMed 0.01459; ESP Exome Variant Server 0.01561.
gnomAD v4.1: 26,382 of 1,613,486 alleles (1.6%); highest among the groups gnomAD compares: Non-Finnish European, 1.9%; 270 homozygotes.

Submissions 1 to 30 of 42:

Labcorp Genetics (formerly Invitae), Labcorp
Classification: Benign. Last evaluated: 2026-01-06. Review status: criteria provided, single submitter. Criteria: Invitae Variant Classification Sherloc (09022015). Collection method: clinical testing. Allele origin: germline.

Illumina Laboratory Services, Illumina
Classification: Benign for Fleck corneal dystrophy. Last evaluated: 2018-01-13. Review status: criteria provided, single submitter. Criteria: ICSL Variant Classification Criteria 13 December 2019. Collection method: clinical testing. Allele origin: germline.
Comment: This variant was observed in the ICSL laboratory as part of a predisposition screen in an ostensibly healthy population. It had not been previously curated by ICSL or reported in the Human Gene Mutation Database (HGMD: prior to June 1st, 2018), and was therefore a candidate for classification through an automated scoring system. Utilizing variant allele frequency, disease prevalence and penetrance estimates, and inheritance mode, an automated score was calculated to assess if this variant is too frequent to cause the disease. Based on the score and internal cut-off values, a variant classified as benign is not then subjected to further curation. The score for this variant resulted in a classification of benign for this disease.

Breakthrough Genomics
Classification: Benign. Review status: criteria provided, single submitter. Criteria: ACMG Guidelines, 2015. Collection method: not provided. Allele origin: germline. Inheritance: Autosomal dominant inheritance. Affected: yes.

Dr. Peter K. Rogan Lab, Western University
No classification provided (evidence only). Condition: Lung cancer. Review status: no classification provided. Collection method: in vitro. Allele origin: not applicable. Functional consequence: retained intron. Not counted in ClinVar's aggregate classification.

Dr. Peter K. Rogan Lab, Western University
No classification provided (evidence only). Condition: Lung cancer. Review status: no classification provided. Collection method: in vitro. Allele origin: not applicable. Functional consequence: skipped exon, retained intron. Not counted in ClinVar's aggregate classification.

Dr. Peter K. Rogan Lab, Western University
No classification provided (evidence only). Condition: Lung cancer. Review status: no classification provided. Collection method: in vitro. Allele origin: not applicable. Functional consequence: retained intron. Not counted in ClinVar's aggregate classification.

Dr. Peter K. Rogan Lab, Western University
No classification provided (evidence only). Condition: Lung cancer. Review status: no classification provided. Collection method: in vitro. Allele origin: not applicable. Functional consequence: skipped exon, retained intron. Not counted in ClinVar's aggregate classification.

Dr. Peter K. Rogan Lab, Western University
No classification provided (evidence only). Condition: Melanoma. Review status: no classification provided. Collection method: in vitro. Allele origin: not applicable. Functional consequence: skipped exon. Not counted in ClinVar's aggregate classification.

Dr. Peter K. Rogan Lab, Western University
No classification provided (evidence only). Condition: Melanoma. Review status: no classification provided. Collection method: in vitro. Allele origin: not applicable. Functional consequence: skipped exon, retained intron. Not counted in ClinVar's aggregate classification.

Dr. Peter K. Rogan Lab, Western University
No classification provided (evidence only). Condition: Melanoma. Review status: no classification provided. Collection method: in vitro. Allele origin: not applicable. Functional consequence: skipped exon. Not counted in ClinVar's aggregate classification.

Dr. Peter K. Rogan Lab, Western University
No classification provided (evidence only). Condition: Melanoma. Review status: no classification provided. Collection method: in vitro. Allele origin: not applicable. Functional consequence: skipped exon. Not counted in ClinVar's aggregate classification.

Dr. Peter K. Rogan Lab, Western University
No classification provided (evidence only). Condition: Melanoma. Review status: no classification provided. Collection method: in vitro. Allele origin: not applicable. Functional consequence: skipped exon, retained intron. Not counted in ClinVar's aggregate classification.

Dr. Peter K. Rogan Lab, Western University
No classification provided (evidence only). Condition: Acute myeloid leukemia. Review status: no classification provided. Collection method: in vitro. Allele origin: not applicable. Functional consequence: retained intron. Not counted in ClinVar's aggregate classification.

Dr. Peter K. Rogan Lab, Western University
No classification provided (evidence only). Condition: Acute myeloid leukemia. Review status: no classification provided. Collection method: in vitro. Allele origin: not applicable. Functional consequence: skipped exon. Not counted in ClinVar's aggregate classification.

Dr. Peter K. Rogan Lab, Western University
No classification provided (evidence only). Condition: Acute myeloid leukemia. Review status: no classification provided. Collection method: in vitro. Allele origin: not applicable. Functional consequence: retained intron. Not counted in ClinVar's aggregate classification.

Dr. Peter K. Rogan Lab, Western University
No classification provided (evidence only). Condition: Acute myeloid leukemia. Review status: no classification provided. Collection method: in vitro. Allele origin: not applicable. Functional consequence: skipped exon. Not counted in ClinVar's aggregate classification.

Dr. Peter K. Rogan Lab, Western University
No classification provided (evidence only). Condition: Acute myeloid leukemia. Review status: no classification provided. Collection method: in vitro. Allele origin: not applicable. Functional consequence: skipped exon, retained intron. Not counted in ClinVar's aggregate classification.

Dr. Peter K. Rogan Lab, Western University
No classification provided (evidence only). Condition: Acute myeloid leukemia. Review status: no classification provided. Collection method: in vitro. Allele origin: not applicable. Functional consequence: skipped exon, retained intron. Not counted in ClinVar's aggregate classification.

Dr. Peter K. Rogan Lab, Western University
No classification provided (evidence only). Condition: Acute myeloid leukemia. Review status: no classification provided. Collection method: in vitro. Allele origin: not applicable. Functional consequence: retained intron. Not counted in ClinVar's aggregate classification.

Dr. Peter K. Rogan Lab, Western University
No classification provided (evidence only). Condition: Thyroid cancer, nonmedullary, 1. Review status: no classification provided. Collection method: in vitro. Allele origin: not applicable. Functional consequence: skipped exon. Not counted in ClinVar's aggregate classification.

Dr. Peter K. Rogan Lab, Western University
No classification provided (evidence only). Condition: Thyroid cancer, nonmedullary, 1. Review status: no classification provided. Collection method: in vitro. Allele origin: not applicable. Functional consequence: skipped exon. Not counted in ClinVar's aggregate classification.

Dr. Peter K. Rogan Lab, Western University
No classification provided (evidence only). Condition: Thyroid cancer, nonmedullary, 1. Review status: no classification provided. Collection method: in vitro. Allele origin: not applicable. Functional consequence: skipped exon. Not counted in ClinVar's aggregate classification.

Dr. Peter K. Rogan Lab, Western University
No classification provided (evidence only). Condition: Thyroid cancer, nonmedullary, 1. Review status: no classification provided. Collection method: in vitro. Allele origin: not applicable. Functional consequence: skipped exon, retained intron. Not counted in ClinVar's aggregate classification.

Dr. Peter K. Rogan Lab, Western University
No classification provided (evidence only). Condition: Thyroid cancer, nonmedullary, 1. Review status: no classification provided. Collection method: in vitro. Allele origin: not applicable. Functional consequence: retained intron. Not counted in ClinVar's aggregate classification.

Dr. Peter K. Rogan Lab, Western University
No classification provided (evidence only). Condition: Thyroid cancer, nonmedullary, 1. Review status: no classification provided. Collection method: in vitro. Allele origin: not applicable. Functional consequence: retained intron. Not counted in ClinVar's aggregate classification.

Dr. Peter K. Rogan Lab, Western University
No classification provided (evidence only). Condition: Cervical cancer. Review status: no classification provided. Collection method: in vitro. Allele origin: not applicable. Functional consequence: retained intron. Not counted in ClinVar's aggregate classification.

Dr. Peter K. Rogan Lab, Western University
No classification provided (evidence only). Condition: Cervical cancer. Review status: no classification provided. Collection method: in vitro. Allele origin: not applicable. Functional consequence: retained intron. Not counted in ClinVar's aggregate classification.

Dr. Peter K. Rogan Lab, Western University
No classification provided (evidence only). Condition: Cervical cancer. Review status: no classification provided. Collection method: in vitro. Allele origin: not applicable. Functional consequence: skipped exon, retained intron. Not counted in ClinVar's aggregate classification.

Dr. Peter K. Rogan Lab, Western University
No classification provided (evidence only). Condition: Sarcoma. Review status: no classification provided. Collection method: in vitro. Allele origin: not applicable. Functional consequence: skipped exon. Not counted in ClinVar's aggregate classification.

Dr. Peter K. Rogan Lab, Western University
No classification provided (evidence only). Condition: Nonpapillary renal cell carcinoma. Review status: no classification provided. Collection method: in vitro. Allele origin: not applicable. Functional consequence: skipped exon. Not counted in ClinVar's aggregate classification.

NM_015040.4(PIKFYVE):c.4989C>T (p.Cys1663=)

Gene: PIKFYVE (phosphoinositide kinase, FYVE-type zinc finger containing; plus strand). Cytogenetic location: 2q34.
Variant type: single nucleotide variant.
Coding change: c.4989C>T on transcript NM_015040.4 (MANE Select); coding-DNA position 4989, C replaced by T.
Protein change: p.Cys1663=; no amino-acid change (cysteine 1663 retained).
Molecular consequence: synonymous variant.
Genome position (GRCh38, 1-based): chr2:208,342,611, C>T. VCF-style: chr2-208342611-C-T. GRCh37 (hg19) VCF-style: chr2-209207335-C-T.
Identifiers: ClinVar variation 333927 (VCV000333927.11), dbSNP rs35784095, ClinGen allele CA2080490.